The following is an entry in ClinVar:

NM_004260.4(RECQL4):c.3566A>G (p.His1189Arg)

Gene: RECQL4 (RecQ like helicase 4; minus strand). Cytogenetic location: 8q24.3.
Variant type: single nucleotide variant.
Coding change: c.3566A>G on transcript NM_004260.4 (MANE Select); coding-DNA position 3566, A replaced by G.
Protein change: p.His1189Arg; replaces histidine 1189 with arginine.
Molecular consequence: missense variant. On other transcripts: non-coding transcript variant (3).
Genome position (GRCh38, 1-based): chr8:144,511,492, T>C on the plus strand (A>G on the coding strand, the complement: RECQL4 is on the minus strand). VCF-style: chr8-144511492-T-C. GRCh37 (hg19) VCF-style: chr8-145736875-T-C.
Other names: c.3272A>G, p.His1091Arg (NM_001413017.1); c.3368A>G, p.His1123Arg (NM_001413018.1); c.3641A>G, p.His1214Arg (NM_001413019.1); c.3470A>G, p.His1157Arg (NM_001413020.1); c.2495A>G, p.His832Arg (NM_001413021.1, NM_001413022.1, NM_001413024.1 and 4 more transcripts); c.2570A>G, p.His857Arg (NM_001413023.1); c.3437A>G, p.His1146Arg (NM_001413025.1); c.2429A>G, p.His810Arg (NM_001413027.1, NM_001413030.1, NM_001413032.1); and 9 more; short protein forms H1072R, H1091R, H1123R, H1145R, H1146R, H1157R, H1179R, H1189R.
Identifiers: ClinVar variation 3032220 (VCV003032220.2), dbSNP rs1827181327, ClinGen allele CA372665799.
Genomic context (GRCh38, chr8:144,511,492, plus strand): 5'-CAGCGGGCCACCTGCAGGAGCTCTTCCGTGGCCAGGCCCACCAGGGCATGGAAGCTCAGG[T>C]GCAGGTATTTTCTCCAGAAGCGTCGGTCCTGCCCGTACACCTGGGCCGGGTAGCAGGGGC-3'
Protein context (NP_004251.4, residues 1179-1199): QDRRFWRKYL[His1189Arg]LSFHALVGLA

ClinVar aggregate classification (germline): Uncertain significance (0 of 4 stars; one submission).

Conditions:
RECQL4-related disorder. Also called: RECQL4-related condition; RECQL4-related disorders.

gnomAD v4.1: 1 of 1,612,520 alleles (0.000062%); highest among the groups gnomAD compares: South Asian, 0.0011%; no homozygotes.

Submission:

PreventionGenetics, part of Exact Sciences
Classification: Uncertain significance for RECQL4-related condition. Last evaluated: 2023-12-20. Review status: no assertion criteria provided. Collection method: clinical testing. Allele origin: germline.
Comment: The RECQL4 c.3566A>G variant is predicted to result in the amino acid substitution p.His1189Arg. To our knowledge, this variant has not been reported in the literature or in a large population database, indicating this variant is rare. At this time, the clinical significance of this variant is uncertain due to the absence of conclusive functional and genetic evidence.